The following is an entry in ClinVar:

NM_025179.4(PLXNA2):c.3181A>G (p.Ile1061Val)

Gene: PLXNA2 (plexin A2; minus strand). Cytogenetic location: 1q32.2.
Variant type: single nucleotide variant.
Coding change: c.3181A>G on transcript NM_025179.4 (MANE Select); coding-DNA position 3181, A replaced by G.
Protein change: p.Ile1061Val; replaces isoleucine 1061 with valine.
Molecular consequence: missense variant.
Genome position (GRCh38, 1-based): chr1:208,051,083, T>C on the plus strand (A>G on the coding strand, the complement: PLXNA2 is on the minus strand). VCF-style: chr1-208051083-T-C. GRCh37 (hg19) VCF-style: chr1-208224428-T-C.
Other names: short protein forms I1061V.
Identifiers: ClinVar variation 4569754 (VCV004569754.2).

ClinVar aggregate classification (germline): Uncertain significance. Review status: criteria provided, multiple submitters, no conflicts (2 of 4 stars). 2 submissions from 2 submitters: Uncertain significance (2). Last evaluated 2025-11-13.

Conditions:
PLXNA2-related disorder. Also called: PLXNA2-related condition.

gnomAD v4.1: 5 of 1,614,102 alleles (0.00031%); highest among the groups gnomAD compares: Admixed American, 0.0017%; no homozygotes.

Submissions (2):

Ambry Genetics
Classification: Uncertain significance. Last evaluated: 2025-11-13. Review status: criteria provided, single submitter. Criteria: Ambry Variant Classification Scheme 2023. Collection method: clinical testing. Allele origin: germline.

PreventionGenetics, part of Exact Sciences
Classification: Uncertain significance for PLXNA2-related condition. Last evaluated: 2025-11-13. Review status: criteria provided, single submitter. Criteria: ACMG Guidelines, 2015. Collection method: clinical testing. Allele origin: germline.
Comment: The PLXNA2 c.3181A>G variant is predicted to result in the amino acid substitution p.Ile1061Val. To our knowledge, this variant has not been reported in the literature. This variant is reported in 0.0029% of alleles in individuals of Latino descent in gnomAD. At this time, the clinical significance of this variant is uncertain due to the absence of conclusive functional and genetic evidence.